The following is an entry in ClinVar:

ClinVar aggregate classification (germline): Likely benign. Review status: criteria provided, multiple submitters, no conflicts (2 of 4 stars). 3 submissions from 3 submitters: Likely benign (3). Last evaluated 2026-07-20.

Conditions:
OTOG-related disorder. Also called: OTOG-related condition.

Allele frequency attached by ClinVar (database versions not stated): gnomAD exomes 0.00004; TOPMed 0.00006.
gnomAD v4.1: 94 of 1,550,158 alleles (0.0061%); highest among the groups gnomAD compares: Non-Finnish European, 0.0078%; no homozygotes.

Submissions (3):

PreventionGenetics, part of Exact Sciences
Classification: Likely benign for OTOG-related condition. Last evaluated: 2026-07-20. Review status: criteria provided, single submitter. Criteria: ACMG Guidelines, 2015. Collection method: clinical testing. Allele origin: germline.
Comment: This variant is classified as likely benign based on ACMG/AMP sequence variant interpretation guidelines (Richards et al. 2015 PMID: 25741868, with internal and published modifications).

Labcorp Genetics (formerly Invitae), Labcorp
Classification: Likely benign. Last evaluated: 2022-03-27. Review status: criteria provided, single submitter. Criteria: Invitae Variant Classification Sherloc (09022015). Collection method: clinical testing. Allele origin: germline.

Laboratory for Molecular Medicine, Mass General Brigham Personalized Medicine
Classification: Likely benign. Last evaluated: 2020-03-11. Review status: criteria provided, single submitter. Criteria: LMM Criteria. Collection method: clinical testing. Allele origin: germline. Observed: 1 variant allele.
Comment: The p.Gly559Gly variant in OTOG is classified as likely benign because it does not alter an amino acid residue, it is not located within the splice consensus sequence, and splice prediction algorithms do not predict a newly created splice site. ACMG/AMP Criteria applied: BP4, BP7.

NM_001292063.2(OTOG):c.1641C>T (p.Gly547=)

Gene: OTOG (otogelin; plus strand). Cytogenetic location: 11p15.1.
Variant type: single nucleotide variant.
Coding change: c.1641C>T on transcript NM_001292063.2 (MANE Select); coding-DNA position 1641, C replaced by T.
Protein change: p.Gly547=; no amino-acid change (glycine 547 retained).
Molecular consequence: synonymous variant.
Genome position (GRCh38, 1-based): chr11:17,561,804, C>T. VCF-style: chr11-17561804-C-T. GRCh37 (hg19) VCF-style: chr11-17583351-C-T.
Other names: c.1677C>T, p.Gly559= (NM_001277269.2); c.1677C>T (NM_001277269.1).
Identifiers: ClinVar variation 930128 (VCV000930128.9), dbSNP rs535620249, ClinGen allele CA218498669.